The following is an entry in ClinVar:

ClinVar aggregate classification (germline): Uncertain significance (1 of 4 stars; one submission).

Submission:

Labcorp Genetics (formerly Invitae), Labcorp
Classification: Uncertain significance. Last evaluated: 2022-05-28. Review status: criteria provided, single submitter. Criteria: Invitae Variant Classification Sherloc (09022015). Collection method: clinical testing. Allele origin: germline.
Comment: This sequence change replaces serine, which is neutral and polar, with arginine, which is basic and polar, at codon 92 of the SRA1 protein (p.Ser92Arg). This variant is not present in population databases (gnomAD no frequency). This variant has not been reported in the literature in individuals affected with SRA1-related conditions. Algorithms developed to predict the effect of missense changes on protein structure and function are either unavailable or do not agree on the potential impact of this missense change (SIFT: "Tolerated"; PolyPhen-2: "Possibly Damaging"; Align-GVGD: "Class C15"). In summary, the available evidence is currently insufficient to determine the role of this variant in disease. Therefore, it has been classified as a Variant of Uncertain Significance.

NM_001035235.4(SRA1):c.238A>C (p.Ser80Arg)

Gene: SRA1 (steroid receptor RNA activator 1; minus strand). Cytogenetic location: 5q31.3.
Variant type: single nucleotide variant.
Coding change: c.238A>C on transcript NM_001035235.4 (MANE Select); coding-DNA position 238, A replaced by C.
Protein change: p.Ser80Arg; replaces serine 80 with arginine.
Molecular consequence: missense variant. On other transcripts: non-coding transcript variant (2), intron variant (1).
Genome position (GRCh38, 1-based): chr5:140,552,098, T>G on the plus strand (A>C on the coding strand, the complement: SRA1 is on the minus strand). VCF-style: chr5-140552098-T-G. GRCh37 (hg19) VCF-style: chr5-139931683-T-G.
Other names: c.307-929A>C (NM_001253764.2); short protein forms S80R.
Identifiers: ClinVar variation 2000154 (VCV002000154.4), dbSNP rs2480854196, ClinGen allele CA361205807.